The following is an entry in ClinVar:

NM_032575.3(GLIS2):c.*614G>A

Gene: GLIS2 (GLIS family zinc finger 2; plus strand). Cytogenetic location: 16p13.3.
Variant type: single nucleotide variant.
Coding change: c.*614G>A on transcript NM_032575.3 (MANE Select); 614 bases downstream of the stop codon, G replaced by A.
Molecular consequence: 3 prime UTR variant.
Genome position (GRCh38, 1-based): chr16:4,338,138, G>A. VCF-style: chr16-4338138-G-A. GRCh37 (hg19) VCF-style: chr16-4388139-G-A.
Other names: c.*614G>A (NM_001318918.2).
Identifiers: ClinVar variation 319241 (VCV000319241.6), dbSNP rs653539, ClinGen allele CA10647484.

ClinVar aggregate classification (germline): Benign. Review status: criteria provided, multiple submitters, no conflicts (2 of 4 stars). 2 submissions from 2 submitters: Benign (2). Last evaluated 2018-01-13.

Conditions:
Nephronophthisis 7 (NPHP7). Identifiers: Orphanet 655, MedGen C1969092, MONDO:0012680, OMIM 611498.

Allele frequency attached by ClinVar (database versions not stated): gnomAD exomes 0.09620; gnomAD 0.10740 and 0.10219; 1000 Genomes Project 0.15355; TOPMed 0.10694; 1000 Genomes Project 30x 0.15147.
gnomAD v4.1: 17,129 of 159,972 alleles (11%); highest among the groups gnomAD compares: South Asian, 26%; 1,117 homozygotes.

Submissions (2):

Illumina Laboratory Services, Illumina
Classification: Benign for Nephronophthisis 7. Last evaluated: 2018-01-13. Review status: criteria provided, single submitter. Criteria: ICSL Variant Classification Criteria 13 December 2019. Collection method: clinical testing. Allele origin: germline.
Comment: This variant was observed in the ICSL laboratory as part of a predisposition screen in an ostensibly healthy population. It had not been previously curated by ICSL or reported in the Human Gene Mutation Database (HGMD: prior to June 1st, 2018), and was therefore a candidate for classification through an automated scoring system. Utilizing variant allele frequency, disease prevalence and penetrance estimates, and inheritance mode, an automated score was calculated to assess if this variant is too frequent to cause the disease. Based on the score and internal cut-off values, a variant classified as benign is not then subjected to further curation. The score for this variant resulted in a classification of benign for this disease.

Breakthrough Genomics
Classification: Benign. Review status: criteria provided, single submitter. Criteria: ACMG Guidelines, 2015. Collection method: not provided. Allele origin: germline. Inheritance: Unknown mechanism. Affected: yes.